The following is an entry in ClinVar:

NM_000059.4(BRCA2):c.2636C>A (p.Ser879Tyr)

Gene: BRCA2 (BRCA2 DNA repair associated; plus strand). Cytogenetic location: 13q13.1.
Variant type: single nucleotide variant.
Coding change: c.2636C>A on transcript NM_000059.4 (MANE Select); coding-DNA position 2636, C replaced by A.
Protein change: p.Ser879Tyr; replaces serine 879 with tyrosine.
Molecular consequence: missense variant.
Genome position (GRCh38, 1-based): chr13:32,336,991, C>A. VCF-style: chr13-32336991-C-A. GRCh37 (hg19) VCF-style: chr13-32911128-C-A.
Other names: short protein forms S879Y.
Identifiers: ClinVar variation 1527843 (VCV001527843.5), dbSNP rs1064793412, ClinGen allele CA387773245.
Genomic context (GRCh38, chr13:32,336,991, plus strand): 5'-TAATCCAAAAAAATCAAGAAGAAACTACTTCAATTTCAAAAATAACTGTCAATCCAGACT[C>A]TGAAGAACTTTTCTCAGACAATGAGAATAATTTTGTCTTCCAAGTAGCTAATGAAAGGAA-3'
Protein context (NP_000050.3, residues 869-889): SISKITVNPD[Ser879Tyr]EELFSDNENN

ClinVar aggregate classification (germline): Conflicting classifications of pathogenicity. Review status: criteria provided, conflicting classifications (1 of 4 stars). 2 submissions from 2 submitters: Uncertain significance (1); Likely benign (1). Last evaluated 2023-03-23.

Conditions:
Breast-ovarian cancer, familial, susceptibility to, 2 (BROVCA2). Also called: BRCA2 Hereditary Breast and Ovarian Cancer. Identifiers: Orphanet 145, MedGen C2675520, MONDO:0012933, OMIM 612555. Disease mechanism: loss of function.
Hereditary cancer-predisposing syndrome. Also called: Tumor predisposition; Hereditary neoplastic syndrome; Neoplastic Syndromes, Hereditary; Hereditary Cancer Syndrome. Identifiers: Orphanet 140162, MedGen C0027672, MeSH D009386, MONDO:0015356.

Submissions (2):

University of Washington Department of Laboratory Medicine, University of Washington
Classification: Likely benign for Hereditary cancer-predisposing syndrome. Last evaluated: 2023-03-23. Review status: criteria provided, single submitter. Criteria: Dines et al. (Genet Med. 2020). Collection method: curation. Allele origin: germline.
Comment: Missense variant in a coldspot region where missense variants are very unlikely to be pathogenic (PMID:31911673).

BRCA2 exon 11 coldspot. Reclassification based on statistical prior probability.

University of Science and Technology Houari Boumediene, Laboratory of Molecular and Cellular Biology (LBCM)
Classification: Uncertain significance for Breast-ovarian cancer, familial, susceptibility to, 2. Review status: criteria provided, single submitter. Criteria: ACMG Guidelines, 2015. Collection method: clinical testing. Allele origin: germline. Affected: yes. Observed: 1 heterozygote.

Literature cited by the submitters: PubMed 22684231 (cited by University of Science and Technology Houari Boumediene, Laboratory of Molecular and Cellular Biology (LBCM)).